The following is an entry in ClinVar:

ClinVar aggregate classification (germline): Uncertain significance (1 of 4 stars; one submission).

Submission:

Ambry Genetics
Classification: Uncertain significance. Last evaluated: 2025-08-31. Review status: criteria provided, single submitter. Criteria: Ambry Variant Classification Scheme 2023. Collection method: clinical testing. Allele origin: germline.
Comment: The p.G702A variant (also known as c.2105G>C), located in coding exon 8 of the RNF43 gene, results from a G to C substitution at nucleotide position 2105. The glycine at codon 702 is replaced by alanine, an amino acid with similar properties. This amino acid position is conserved. In addition, this alteration is predicted to be tolerated by in silico analysis. Based on the available evidence, the clinical significance of this variant remains unclear.

NM_017763.6(RNF43):c.2105G>C (p.Gly702Ala)

Gene: RNF43 (ring finger protein 43; minus strand). Cytogenetic location: 17q22.
Variant type: single nucleotide variant.
Coding change: c.2105G>C on transcript NM_017763.6 (MANE Select); coding-DNA position 2105, G replaced by C.
Protein change: p.Gly702Ala; replaces glycine 702 with alanine.
Molecular consequence: missense variant.
Genome position (GRCh38, 1-based): chr17:58,357,671, C>G on the plus strand (G>C on the coding strand, the complement: RNF43 is on the minus strand). VCF-style: chr17-58357671-C-G. GRCh37 (hg19) VCF-style: chr17-56435032-C-G.
Other names: c.2105G>C, p.Gly702Ala (NM_001305544.3, NM_001438820.1, NM_001438821.1 and 1 more transcripts); c.1724G>C, p.Gly575Ala (NM_001305545.2, NM_001437987.1); short protein forms G575A, G702A.
Identifiers: ClinVar variation 4155805 (VCV004155805.1).